The following is an entry in ClinVar:

NM_007055.4(POLR3A):c.2478+48A>C

Gene: POLR3A (RNA polymerase III subunit A; minus strand). Cytogenetic location: 10q22.3.
Variant type: single nucleotide variant.
Coding change: c.2478+48A>C on transcript NM_007055.4 (MANE Select); 48 bases into the intron after coding-DNA position 2478, A replaced by C.
Molecular consequence: intron variant.
Genome position (GRCh38, 1-based): chr10:78,000,928, T>G on the plus strand (A>C on the coding strand, the complement: POLR3A is on the minus strand). VCF-style: chr10-78000928-T-G. GRCh37 (hg19) VCF-style: chr10-79760686-T-G.
Identifiers: ClinVar variation 1244060 (VCV001244060.5), dbSNP rs7474957, ClinGen allele CA5571107.

ClinVar aggregate classification (germline): Benign. Review status: criteria provided, multiple submitters, no conflicts (2 of 4 stars). 3 submissions from 3 submitters: Benign (3). Last evaluated 2024-01-24.

Allele frequency attached by ClinVar (database versions not stated): ESP Exome Variant Server 0.12610; 1000 Genomes Project 30x 0.20784; 1000 Genomes Project 0.20807; TOPMed 0.14192.
gnomAD v4.1: 64,767 of 955,486 alleles (6.8%); highest among the groups gnomAD compares: African/African-American, 31%; 5,569 homozygotes.

Submissions (3):

Unidad de Genómica Garrahan, Hospital de Pediatría Garrahan
Classification: Benign. Last evaluated: 2024-01-24. Review status: criteria provided, single submitter. Criteria: ACMG Guidelines, 2015. Collection method: clinical testing. Allele origin: germline. Affected: no. Observed: 20 variant alleles.
Comment: This variant is classified as Benign based on local population frequency. This variant was detected in 21% of patients studied by a panel of primary immunodeficiencies. Number of patients: 20. Only high quality variants are reported.

GeneDx
Classification: Benign. Last evaluated: 2021-04-16. Review status: criteria provided, single submitter. Criteria: GeneDx Variant Classification Process June 2021. Collection method: clinical testing. Allele origin: germline. Affected: yes.

Breakthrough Genomics
Classification: Benign. Review status: criteria provided, single submitter. Criteria: ACMG Guidelines, 2015. Collection method: not provided. Allele origin: germline. Inheritance: Autosomal recessive inheritance. Affected: yes.